The following is an entry in ClinVar:

NM_213599.3(ANO5):c.340G>C (p.Glu114Gln)

Gene: ANO5 (anoctamin 5; plus strand). Cytogenetic location: 11p14.3.
Variant type: single nucleotide variant.
Coding change: c.340G>C on transcript NM_213599.3 (MANE Select); coding-DNA position 340, G replaced by C.
Protein change: p.Glu114Gln; replaces glutamic acid 114 with glutamine.
Molecular consequence: missense variant.
Genome position (GRCh38, 1-based): chr11:22,226,029, G>C. VCF-style: chr11-22226029-G-C. GRCh37 (hg19) VCF-style: chr11-22247575-G-C.
Other names: c.247G>C, p.Glu83Gln (NM_001441302.1, NM_001441296.1); c.337G>C, p.Glu113Gln (NM_001142649.2); c.298G>C, p.Glu100Gln (NM_001410963.1, NM_001441298.1, NM_001441300.1); c.295G>C, p.Glu99Gln (NM_001410964.1, NM_001441299.1, NM_001441301.1); c.262G>C, p.Glu88Gln (NM_001441294.1); c.259G>C, p.Glu87Gln (NM_001441295.1); c.220G>C, p.Glu74Gln (NM_001441297.1); short protein forms E99Q, E114Q, E74Q, E87Q, E100Q, E113Q, E83Q, E88Q.
Identifiers: ClinVar variation 4786830 (VCV004786830.1).

ClinVar aggregate classification (germline): Uncertain significance (1 of 4 stars; one submission).

Conditions:
Gnathodiaphyseal dysplasia (GDD). Also called: GNATHODIAPHYSEAL SCLEROSIS; OSTEOGENESIS IMPERFECTA WITH UNUSUAL SKELETAL LESIONS. Identifiers: Orphanet 53697, MedGen C1833736, MONDO:0008151, OMIM 166260.
Autosomal recessive limb-girdle muscular dystrophy type 2L (LGMDR12). Also called: Limb-girdle muscular dystrophy, type 2L; MUSCULAR DYSTROPHY, LIMB-GIRDLE, AUTOSOMAL RECESSIVE 12; Limb-Girdle Muscular Dystrophy R12 Anoctamin-5-Related (LGMD-R12). Identifiers: Orphanet 206549, MedGen C1969785, MONDO:0012652, OMIM 611307.

gnomAD v4.1: 19 of 1,608,692 alleles (0.0012%); highest among the groups gnomAD compares: Non-Finnish European, 0.0016%; no homozygotes.

Submission:

Labcorp Genetics (formerly Invitae), Labcorp
Classification: Uncertain significance for Autosomal recessive limb-girdle muscular dystrophy type 2L; Gnathodiaphyseal dysplasia. Last evaluated: 2025-08-19. Review status: criteria provided, single submitter. Criteria: Invitae Variant Classification Sherloc (09022015). Collection method: clinical testing. Allele origin: germline.
Comment: This sequence change replaces glutamic acid, which is acidic and polar, with glutamine, which is neutral and polar, at codon 114 of the ANO5 protein (p.Glu114Gln). This variant is present in population databases (rs771965186, gnomAD 0.002%). This variant has not been reported in the literature in individuals affected with ANO5-related conditions. Invitae Evidence Modeling of protein sequence and biophysical properties (such as structural, functional, and spatial information, amino acid conservation, physicochemical variation, residue mobility, and thermodynamic stability) indicates that this missense variant is not expected to disrupt ANO5 protein function with a negative predictive value of 80%. In summary, the available evidence is currently insufficient to determine the role of this variant in disease. Therefore, it has been classified as a Variant of Uncertain Significance.